The following is an entry in ClinVar:

ClinVar aggregate classification (germline): Uncertain significance (1 of 4 stars; one submission).

Allele frequency attached by ClinVar (database versions not stated): gnomAD exomes 0.00001.
gnomAD v4.1: 6 of 1,374,512 alleles (0.00044%); highest among the groups gnomAD compares: South Asian, 0.0062%; no homozygotes.

Submission:

CeGaT Center for Human Genetics Tuebingen
Classification: Uncertain significance. Last evaluated: 2022-05-01. Review status: criteria provided, single submitter. Criteria: CeGaT Center For Human Genetics Tuebingen Variant Classification Criteria Version 2. Collection method: clinical testing. Allele origin: germline. Affected: yes. Observed: 1 variant allele.
Comment: SET: PP2, BP4

NM_003011.4(SET):c.8C>T (p.Ala3Val)

Genes: SET (SET nuclear proto-oncogene; plus strand), LOC130002718 (ATAC-STARR-seq lymphoblastoid silent region 20347; plus strand). Cytogenetic location: 9q34.11.
Variant type: single nucleotide variant.
Coding change: c.8C>T on transcript NM_003011.4 (MANE Select); coding-DNA position 8, C replaced by T.
Protein change: p.Ala3Val; replaces alanine 3 with valine.
Molecular consequence: missense variant. On other transcripts: intron variant (3).
Genome position (GRCh38, 1-based): chr9:128,689,590, C>T. VCF-style: chr9-128689590-C-T. GRCh37 (hg19) VCF-style: chr9-131451869-C-T.
Other names: c.113-1580C>T (NM_001374326.1, NM_001122821.2); c.47-1580C>T (NM_001248000.2); short protein forms A3V.
Identifiers: ClinVar variation 1695268 (VCV001695268.31), dbSNP rs1241295194, ClinGen allele CA375058437.
Genomic context (GRCh38, chr9:128,689,590, plus strand): 5'-CGCCTTCCCTTCTCTCCCCCTCCCCGCTCCCCCCCCGACCGCGGAGCAGCACCATGTCGG[C>T]GCCGGCGGCCAAAGTCAGTAAAAAGGAGCTCAACTCCAACCACGACGGGGCCGACGAGAC-3'
Protein context (NP_003002.2, residues 1-13): MS[Ala3Val]PAAKVSKKEL